The following is an entry in ClinVar:

NM_003922.4(HERC1):c.9946T>C (p.Phe3316Leu)

Gene: HERC1 (HECT and RLD domain containing E3 ubiquitin protein ligase family member 1; minus strand). Cytogenetic location: 15q22.31.
Variant type: single nucleotide variant.
Coding change: c.9946T>C on transcript NM_003922.4 (MANE Select); coding-DNA position 9946, T replaced by C.
Protein change: p.Phe3316Leu; replaces phenylalanine 3316 with leucine.
Molecular consequence: missense variant.
Genome position (GRCh38, 1-based): chr15:63,655,880, A>G on the plus strand (T>C on the coding strand, the complement: HERC1 is on the minus strand). VCF-style: chr15-63655880-A-G. GRCh37 (hg19) VCF-style: chr15-63948079-A-G.
Other names: short protein forms F3316L.
Identifiers: ClinVar variation 1317069 (VCV001317069.4), dbSNP rs2070005209, ClinGen allele CA392756766.

ClinVar aggregate classification (germline): Uncertain significance (1 of 4 stars; one submission).

Allele frequency attached by ClinVar (database versions not stated): gnomAD exomes below 0.00001; gnomAD 0.00001.
gnomAD v4.1: 7 of 1,612,052 alleles (0.00043%); highest among the groups gnomAD compares: African/African-American, 0.008%; no homozygotes.

Submission:

GeneDx
Classification: Uncertain significance. Last evaluated: 2025-11-17. Review status: criteria provided, single submitter. Criteria: GeneDx Variant Classification Process June 2021. Collection method: clinical testing. Allele origin: germline. Affected: yes.
Comment: Not observed at significant frequency in large population cohorts (gnomAD); In silico analysis suggests that this missense variant does not alter protein structure/function; Has not been previously published as pathogenic or benign to our knowledge